The following is an entry in ClinVar:

ClinVar aggregate classification (germline): Pathogenic (1 of 4 stars; one submission).

Submission:

GeneDx
Classification: Pathogenic. Last evaluated: 2018-07-02. Review status: criteria provided, single submitter. Criteria: GeneDx Variant Classification (06012015). Collection method: clinical testing. Allele origin: germline. Affected: yes.
Comment: The W206X variant in the DNMT3A gene has not been reported previously as a pathogenic variant nor as a benign variant, to our knowledge. This variant is predicted to cause loss of normal protein function either through protein truncation or nonsense-mediated mRNA decay. The W206X variant is not observed in large population cohorts (Lek et al., 2016). We interpret W206X as a pathogenic variant.

NM_022552.5(DNMT3A):c.617G>A (p.Trp206Ter)

Gene: DNMT3A (DNA methyltransferase 3 alpha; minus strand). Cytogenetic location: 2p23.3.
Variant type: single nucleotide variant.
Coding change: c.617G>A on transcript NM_022552.5 (MANE Select); coding-DNA position 617, G replaced by A.
Protein change: p.Trp206Ter; replaces tryptophan 206 with a stop codon.
Molecular consequence: nonsense. On other transcripts: non-coding transcript variant (1).
Genome position (GRCh38, 1-based): chr2:25,274,963, C>T on the plus strand (G>A on the coding strand, the complement: DNMT3A is on the minus strand). VCF-style: chr2-25274963-C-T. GRCh37 (hg19) VCF-style: chr2-25497832-C-T.
Other names: c.617G>A, p.Trp206Ter (NM_175629.2); short protein forms W206*.
Identifiers: ClinVar variation 620247 (VCV000620247.1), dbSNP rs1558697970, ClinGen allele CA346082904.
Genomic context (GRCh38, chr2:25,274,963, plus strand): 5'-GCAGGACGGGCTGGGGCCCAGGCCAGAAGGCGCCTCACCTCCCTTTTCCAGCGTGCCAGC[C>T]ACTCGTCCCGCTTGCGCTTGCTGATGTAGTAGGGGTCCCCCGCCTGGAAGGTGAGCCTCG-3'